The following is an entry in ClinVar:

ClinVar aggregate classification (germline): Uncertain significance (1 of 4 stars; one submission).

Submission:

Labcorp Genetics (formerly Invitae), Labcorp
Classification: Uncertain significance. Last evaluated: 2025-10-14. Review status: criteria provided, single submitter. Criteria: Invitae Variant Classification Sherloc (09022015). Collection method: clinical testing. Allele origin: germline.
Comment: This sequence change replaces proline, which is neutral and non-polar, with serine, which is neutral and polar, at codon 87 of the TUBB3 protein (p.Pro87Ser). This variant is not present in population databases (gnomAD no frequency). This variant has not been reported in the literature in individuals affected with TUBB3-related conditions. Invitae Evidence Modeling of protein sequence and biophysical properties (such as structural, functional, and spatial information, amino acid conservation, physicochemical variation, residue mobility, and thermodynamic stability) indicates that this missense variant is expected to disrupt TUBB3 protein function with a positive predictive value of 80%. In summary, the available evidence is currently insufficient to determine the role of this variant in disease. Therefore, it has been classified as a Variant of Uncertain Significance.

NM_006086.4(TUBB3):c.259C>T (p.Pro87Ser)

Gene: TUBB3 (tubulin beta 3 class III; plus strand). Cytogenetic location: 16q24.3.
Variant type: single nucleotide variant.
Coding change: c.259C>T on transcript NM_006086.4 (MANE Select); coding-DNA position 259, C replaced by T.
Protein change: p.Pro87Ser; replaces proline 87 with serine.
Molecular consequence: missense variant.
Genome position (GRCh38, 1-based): chr16:89,933,560, C>T. VCF-style: chr16-89933560-C-T. GRCh37 (hg19) VCF-style: chr16-89999968-C-T.
Other names: c.43C>T, p.Pro15Ser (NM_001197181.2); short protein forms P15S, P87S.
Identifiers: ClinVar variation 4746725 (VCV004746725.1).